The following is an entry in ClinVar:

ClinVar aggregate classification (germline): Uncertain significance (1 of 4 stars; one submission).

gnomAD v4.1: 3 of 1,611,490 alleles (0.00019%); highest among the groups gnomAD compares: Non-Finnish European, 0.00025%; no homozygotes.

Submission:

GeneDx
Classification: Uncertain significance. Last evaluated: 2019-07-11. Review status: criteria provided, single submitter. Criteria: GeneDx Variant Classification Process June 2021. Collection method: clinical testing. Allele origin: germline. Affected: yes.
Comment: Not observed in large population cohorts (Lek et al., 2016); In silico analysis, which includes protein predictors and evolutionary conservation, supports a deleterious effect; Has not been previously published as pathogenic or benign to our knowledge

NM_018896.5(CACNA1G):c.2906C>A (p.Ala969Glu)

Gene: CACNA1G (calcium voltage-gated channel subunit alpha1 G; plus strand). Cytogenetic location: 17q21.33.
Variant type: single nucleotide variant.
Coding change: c.2906C>A on transcript NM_018896.5 (MANE Select); coding-DNA position 2906, C replaced by A.
Protein change: p.Ala969Glu; replaces alanine 969 with glutamic acid.
Molecular consequence: missense variant. On other transcripts: non-coding transcript variant (5).
Genome position (GRCh38, 1-based): chr17:50,592,088, C>A. VCF-style: chr17-50592088-C-A. GRCh37 (hg19) VCF-style: chr17-48669449-C-A.
Other names: c.2906C>A, p.Ala969Glu (NM_001256324.2, NM_001256325.2, NM_001256326.2 and 24 more transcripts); short protein forms A969E.
Identifiers: ClinVar variation 1302240 (VCV001302240.2), dbSNP rs781013378, ClinGen allele CA400250128.